The following is an entry in ClinVar:

NM_004667.6(HERC2):c.2549C>T (p.Pro850Leu)

Gene: HERC2 (HECT and RLD domain containing E3 ubiquitin protein ligase 2; minus strand). Cytogenetic location: 15q13.1.
Variant type: single nucleotide variant.
Coding change: c.2549C>T on transcript NM_004667.6 (MANE Select); coding-DNA position 2549, C replaced by T.
Protein change: p.Pro850Leu; replaces proline 850 with leucine.
Molecular consequence: missense variant.
Genome position (GRCh38, 1-based): chr15:28,256,286, G>A on the plus strand (C>T on the coding strand, the complement: HERC2 is on the minus strand). VCF-style: chr15-28256286-G-A. GRCh37 (hg19) VCF-style: chr15-28501432-G-A.
Other names: c.2549C>T (NM_004667.5); short protein forms P850L.
Identifiers: ClinVar variation 520874 (VCV000520874.28), dbSNP rs534865714, ClinGen allele CA7443164.
Genomic context (GRCh38, chr15:28,256,286, plus strand): 5'-ACCACCGTCTGCTTCAGGCTGTTCAGGAGGATGCTGCCCAGACCTAAACCAAGGAATTCC[G>A]GGTCAACCTGGTGACTAATGGCAGCATGCAACTGAAAGGAGAAAAACAATTTTCACTTAG-3'
Protein context (NP_004658.3, residues 840-860): LHAAISHQVD[Pro850Leu]EFLGLGLGSI

ClinVar aggregate classification (germline): Uncertain significance. Review status: criteria provided, multiple submitters, no conflicts (2 of 4 stars). 3 submissions from 3 submitters: Uncertain significance (3). Last evaluated 2026-04-16.

Conditions:
Inborn genetic diseases. Identifiers: MedGen C0950123, MeSH D030342.

Allele frequency attached by ClinVar (database versions not stated): TOPMed 0.00001; 1000 Genomes Project 30x 0.00016; 1000 Genomes Project 0.00020.
gnomAD v4.1: 119 of 1,596,210 alleles (0.0075%); highest among the groups gnomAD compares: South Asian, 0.02%; no homozygotes.

Submissions (3):

GeneDx
Classification: Uncertain significance. Last evaluated: 2026-04-16. Review status: criteria provided, single submitter. Criteria: GeneDx Variant Classification Process June 2021. Collection method: clinical testing. Allele origin: germline.
Comment: Identified with a second HERC2 variant, phase unknown, in a patient in published literature with global developmental delay and multiple features not typically associated with HERC2-related disorder, and variants in other genes were reported (PMID: 30755392); In silico analysis supports that this missense variant has a deleterious effect on protein structure/function; This variant is associated with the following publications: (PMID: 30755392)

CeGaT Center for Human Genetics Tuebingen
Classification: Uncertain significance. Last evaluated: 2023-12-01. Review status: criteria provided, single submitter. Criteria: CeGaT Center For Human Genetics Tuebingen Variant Classification Criteria Version 2. Collection method: clinical testing. Allele origin: germline. Affected: yes. Observed: 1 variant allele.

Ambry Genetics
Classification: Uncertain significance for Inborn genetic diseases. Last evaluated: 2015-11-09. Review status: criteria provided, single submitter. Criteria: Ambry exome assertion method (8-5-2015). Collection method: clinical testing. Allele origin: germline. Affected: yes. Observed: 1 variant allele.